The following is an entry in ClinVar:

NM_033056.4(PCDH15):c.5086T>G (p.Cys1696Gly)

Gene: PCDH15 (protocadherin related 15; minus strand). Cytogenetic location: 10q21.1.
Variant type: single nucleotide variant.
Coding change: c.5086T>G on transcript NM_033056.4 (MANE Plus Clinical); coding-DNA position 5086, T replaced by G.
Protein change: p.Cys1696Gly; replaces cysteine 1696 with glycine.
Molecular consequence: missense variant. On other transcripts: intron variant (8).
Genome position (GRCh38, 1-based): chr10:53,822,640, A>C on the plus strand (T>G on the coding strand, the complement: PCDH15 is on the minus strand). VCF-style: chr10-53822640-A-C. GRCh37 (hg19) VCF-style: chr10-55582400-A-C.
Other names: c.5107T>G, p.Cys1703Gly (NM_001142763.2); c.5092T>G, p.Cys1698Gly (NM_001142764.2); c.4879T>G, p.Cys1627Gly (NM_001142765.2); c.5077T>G, p.Cys1693Gly (NM_001142766.2); c.4966T>G, p.Cys1656Gly (NM_001142767.2); c.5026T>G, p.Cys1676Gly (NM_001142768.2); c.5017T>G, p.Cys1673Gly (NM_001142773.2); c.5020T>G, p.Cys1674Gly (NM_001354404.2); and 7 more; short protein forms C1674G, C1656G, C1676G, C1693G, C1696G, C1627G, C1673G, C1698G.
Identifiers: ClinVar variation 2131963 (VCV002131963.4), dbSNP rs2076368012, ClinGen allele CA376525873.
Genomic context (GRCh38, chr10:53,822,640, plus strand): 5'-CTCTCCTAGAGAGTGAAGAATGTAAAACACAAGGCCTTGAAGGAGAAAGTTCCAAGGAAC[A>C]CTCAGCAGGAGAACTGATGACATTAGGTTCTGATTTGAGTTCCACAGTTCTTGAAACAGT-3'
Protein context (NP_149045.3, residues 1686-1706): EPNVISSPAE[Cys1696Gly]SLELSPSRPC

ClinVar aggregate classification (germline): Uncertain significance (1 of 4 stars; one submission).

Submission:

Labcorp Genetics (formerly Invitae), Labcorp
Classification: Uncertain significance. Last evaluated: 2022-11-08. Review status: criteria provided, single submitter. Criteria: Invitae Variant Classification Sherloc (09022015). Collection method: clinical testing. Allele origin: germline.
Comment: In summary, the available evidence is currently insufficient to determine the role of this variant in disease. Therefore, it has been classified as a Variant of Uncertain Significance. Algorithms developed to predict the effect of missense changes on protein structure and function (SIFT, PolyPhen-2, Align-GVGD) all suggest that this variant is likely to be tolerated. This variant has not been reported in the literature in individuals affected with PCDH15-related conditions. This variant is not present in population databases (gnomAD no frequency). This sequence change replaces cysteine, which is neutral and slightly polar, with glycine, which is neutral and non-polar, at codon 1696 of the PCDH15 protein (p.Cys1696Gly).